The following is an entry in ClinVar:

ClinVar aggregate classification (germline): Uncertain significance (1 of 4 stars; one submission).

Conditions:
Hereditary breast ovarian cancer syndrome. Also called: Hereditary breast and ovarian cancer; Hereditary breast and ovarian cancer syndrome; Breast and ovarian cancer; BRCA1- and BRCA2-Associated Hereditary Breast and Ovarian Cancer; Hereditary breast and ovarian cancer syndrome (HBOC); Hereditary breast and/or ovarian cancer syndrome. Identifiers: Orphanet 145, MedGen C0677776, MeSH D061325, MONDO:0003582. Disease mechanism: loss of function.

Submission:

Labcorp Genetics (formerly Invitae), Labcorp
Classification: Uncertain significance for Hereditary breast ovarian cancer syndrome. Last evaluated: 2025-04-28. Review status: criteria provided, single submitter. Criteria: Invitae Variant Classification Sherloc (09022015). Collection method: clinical testing. Allele origin: germline.
Comment: This sequence change replaces lysine, which is basic and polar, with arginine, which is basic and polar, at codon 2882 of the BRCA2 protein (p.Lys2882Arg). This variant is not present in population databases (gnomAD no frequency). This variant has not been reported in the literature in individuals affected with BRCA2-related conditions. ClinVar contains an entry for this variant (Variation ID: 2751213). Invitae Evidence Modeling of protein sequence and biophysical properties (such as structural, functional, and spatial information, amino acid conservation, physicochemical variation, residue mobility, and thermodynamic stability) indicates that this missense variant is not expected to disrupt BRCA2 protein function with a negative predictive value of 95%. In summary, the available evidence is currently insufficient to determine the role of this variant in disease. Therefore, it has been classified as a Variant of Uncertain Significance.

NM_000059.4(BRCA2):c.8645A>G (p.Lys2882Arg)

Gene: BRCA2 (BRCA2 DNA repair associated; plus strand). Cytogenetic location: 13q13.1.
Variant type: single nucleotide variant.
Coding change: c.8645A>G on transcript NM_000059.4 (MANE Select); coding-DNA position 8645, A replaced by G.
Protein change: p.Lys2882Arg; replaces lysine 2882 with arginine.
Molecular consequence: missense variant. On other transcripts: non-coding transcript variant (1).
Genome position (GRCh38, 1-based): chr13:32,376,682, A>G. VCF-style: chr13-32376682-A-G. GRCh37 (hg19) VCF-style: chr13-32950819-A-G.
Other names: c.8549A>G, p.Lys2850Arg (NM_001406719.1); c.8645A>G, p.Lys2882Arg (NM_001406720.1); c.3713A>G, p.Lys1238Arg (NM_001406721.1); c.2228A>G, p.Lys743Arg (NM_001406722.1); short protein forms K2850R, K2882R, K743R, K1238R.
Identifiers: ClinVar variation 2751213 (VCV002751213.3), dbSNP rs2137612387, ClinGen allele CA387754653.